The following is an entry in ClinVar:

NM_147127.5(EVC2):c.1112A>G (p.Glu371Gly)

Gene: EVC2 (EvC ciliary complex subunit 2; minus strand). Cytogenetic location: 4p16.2.
Variant type: single nucleotide variant.
Coding change: c.1112A>G on transcript NM_147127.5 (MANE Select); coding-DNA position 1112, A replaced by G.
Protein change: p.Glu371Gly; replaces glutamic acid 371 with glycine.
Molecular consequence: missense variant.
Genome position (GRCh38, 1-based): chr4:5,663,140, T>C on the plus strand (A>G on the coding strand, the complement: EVC2 is on the minus strand). VCF-style: chr4-5663140-T-C. GRCh37 (hg19) VCF-style: chr4-5664867-T-C.
Other names: c.1112A>G (NM_147127.4); c.872A>G, p.Glu291Gly (NM_001166136.2); short protein forms E371G, E291G.
Identifiers: ClinVar variation 2936054 (VCV002936054.4), dbSNP rs1560206576, ClinGen allele CA356141584.
Genomic context (GRCh38, chr4:5,663,140, plus strand): 5'-AAGTATAATGGGATTTAGAATTCTTACTCTTCTAAGGCTTGAAGCATGCTCCCAGGGTCC[T>C]CGGAAGACAGAATGTCTATCATTTGGTCGTTAAGGGAAAGGTCCTCATTCACGCCATCAG-3'
Protein context (NP_667338.3, residues 361-381): NDQMIDILSS[Glu371Gly]DPGSMLQALE

ClinVar aggregate classification (germline): Uncertain significance. Review status: criteria provided, multiple submitters, no conflicts (2 of 4 stars). 2 submissions from 2 submitters: Uncertain significance (2). Last evaluated 2025-08-25.

Conditions:
Curry-Hall syndrome (WAD). Also called: WEYERS ACRODENTAL DYSOSTOSIS. Identifiers: Orphanet 952, MedGen C0457013, MONDO:0008673, OMIM 193530.
Ellis-van Creveld syndrome (EVC). Also called: EVC-Related Ellis-van Creveld Syndrome; EVC2-Related Ellis-van Creveld Syndrome; MESOECTODERMAL DYSPLASIA; Chondroectodermal dysplasia. Identifiers: Orphanet 289, MedGen C0013903, MONDO:0009162, OMIM 225500.
Inborn genetic diseases. Identifiers: MedGen C0950123, MeSH D030342.

Allele frequency attached by ClinVar (database versions not stated): gnomAD exomes below 0.00001; TOPMed 0.00001.
gnomAD v4.1: 1 of 1,614,188 alleles (0.000062%); highest among the groups gnomAD compares: Admixed American, 0.0017%; no homozygotes.

Submissions (2):

Ambry Genetics
Classification: Uncertain significance for Inborn genetic diseases. Last evaluated: 2025-08-25. Review status: criteria provided, single submitter. Criteria: Ambry Variant Classification Scheme 2023. Collection method: clinical testing. Allele origin: germline.

Labcorp Genetics (formerly Invitae), Labcorp
Classification: Uncertain significance for Curry-Hall syndrome; Ellis-van Creveld syndrome. Last evaluated: 2022-11-13. Review status: criteria provided, single submitter. Criteria: Invitae Variant Classification Sherloc (09022015). Collection method: clinical testing. Allele origin: germline.
Comment: Algorithms developed to predict the effect of missense changes on protein structure and function are either unavailable or do not agree on the potential impact of this missense change (SIFT: "Deleterious"; PolyPhen-2: "Probably Damaging"; Align-GVGD: "Class C0"). In summary, the available evidence is currently insufficient to determine the role of this variant in disease. Therefore, it has been classified as a Variant of Uncertain Significance. This variant has not been reported in the literature in individuals affected with EVC2-related conditions. This variant is not present in population databases (gnomAD no frequency). This sequence change replaces glutamic acid, which is acidic and polar, with glycine, which is neutral and non-polar, at codon 371 of the EVC2 protein (p.Glu371Gly).